The following is an entry in ClinVar:

NM_206933.4(USH2A):c.5870_5871del (p.Val1957fs)

Gene: USH2A (usherin; minus strand). Cytogenetic location: 1q41.
Variant type: Microsatellite.
Coding change: c.5870_5871del on transcript NM_206933.4 (MANE Select); coding-DNA positions 5870 to 5871, 2 bases deleted (TG; older notation c.5870_5871delTG).
Protein change: p.Val1957fs; shifts the reading frame from valine 1957.
Molecular consequence: frameshift variant.
Genome position (GRCh38, 1-based): chr1:216,070,279-216,070,280, CA deleted on the plus strand (TG on the coding strand, the reverse complement: USH2A is on the minus strand); deleting any 2 consecutive bases within chr1:216,070,279-216,070,283 gives the same sequence; the c. name uses the placement nearest the transcript's 3' end. VCF-style (leftmost placement, unchanged base first): chr1-216070278-GCA-G. GRCh37 (hg19) VCF-style: chr1-216243620-GCA-G.
Other names: short protein forms V1957fs.
Identifiers: ClinVar variation 2018215 (VCV002018215.4), dbSNP rs2527770122, ClinGen allele CA2580611227.

ClinVar aggregate classification (germline): Pathogenic (1 of 4 stars; one submission).

Submission:

Labcorp Genetics (formerly Invitae), Labcorp
Classification: Pathogenic. Last evaluated: 2022-07-19. Review status: criteria provided, single submitter. Criteria: Invitae Variant Classification Sherloc (09022015). Collection method: clinical testing. Allele origin: germline.
Comment: This variant has not been reported in the literature in individuals affected with USH2A-related conditions. This variant is not present in population databases (gnomAD no frequency). This sequence change creates a premature translational stop signal (p.Val1957Alafs*15) in the USH2A gene. It is expected to result in an absent or disrupted protein product. Loss-of-function variants in USH2A are known to be pathogenic (PMID: 10729113, 10909849, 20507924, 25649381). For these reasons, this variant has been classified as Pathogenic.

Literature cited by the submitters: PubMed 10729113; PubMed 10909849; PubMed 20507924; PubMed 25649381.